The following is an entry in ClinVar:

ClinVar aggregate classification (germline): Uncertain significance (1 of 4 stars; one submission).

Submission:

Ambry Genetics
Classification: Uncertain significance. Last evaluated: 2022-06-10. Review status: criteria provided, single submitter. Criteria: Ambry Variant Classification Scheme 2023. Collection method: clinical testing. Allele origin: germline.
Comment: The p.P1314L variant (also known as c.3941C>T), located in coding exon 17 of the NPAT gene, results from a C to T substitution at nucleotide position 3941. The proline at codon 1314 is replaced by leucine, an amino acid with similar properties. This amino acid position is conserved. In addition, the in silico prediction for this alteration is inconclusive. Since supporting evidence is limited at this time, the clinical significance of this alteration remains unclear.

NM_002519.3(NPAT):c.3941C>T (p.Pro1314Leu)

Gene: NPAT (nuclear protein, coactivator of histone transcription; minus strand). Cytogenetic location: 11q22.3.
Variant type: single nucleotide variant.
Coding change: c.3941C>T on transcript NM_002519.3 (MANE Select); coding-DNA position 3941, C replaced by T.
Protein change: p.Pro1314Leu; replaces proline 1314 with leucine.
Molecular consequence: missense variant.
Genome position (GRCh38, 1-based): chr11:108,161,145, G>A on the plus strand (C>T on the coding strand, the complement: NPAT is on the minus strand). VCF-style: chr11-108161145-G-A. GRCh37 (hg19) VCF-style: chr11-108031872-G-A.
Other names: c.3962C>T, p.Pro1321Leu (NM_001321307.1); short protein forms P1314L, P1321L.
Identifiers: ClinVar variation 1736359 (VCV001736359.2), dbSNP rs2496693967, ClinGen allele CA382509711.